The following is an entry in ClinVar:

NM_000834.5(GRIN2B):c.2767G>A (p.Asp923Asn)

Gene: GRIN2B (glutamate ionotropic receptor NMDA type subunit 2B; minus strand). Cytogenetic location: 12p13.1.
Variant type: single nucleotide variant.
Coding change: c.2767G>A on transcript NM_000834.5 (MANE Select); coding-DNA position 2767, G replaced by A.
Protein change: p.Asp923Asn; replaces aspartic acid 923 with asparagine.
Molecular consequence: missense variant.
Genome position (GRCh38, 1-based): chr12:13,564,471, C>T on the plus strand (G>A on the coding strand, the complement: GRIN2B is on the minus strand). VCF-style: chr12-13564471-C-T. GRCh37 (hg19) VCF-style: chr12-13717405-C-T.
Other names: c.2767G>A, p.Asp923Asn (NM_001413992.1); short protein forms D923N.
Identifiers: ClinVar variation 4885692 (VCV004885692.2).

ClinVar aggregate classification (germline): Uncertain significance (1 of 4 stars; one submission).

gnomAD v4.1: 1 of 1,614,246 alleles (0.000062%); highest among the groups gnomAD compares: South Asian, 0.0011%; no homozygotes.

Submission:

Dasa
Classification: Uncertain significance. Last evaluated: 2025-06-14. Review status: criteria provided, single submitter. Criteria: DASA Assertion Criteria. Collection method: clinical testing. Allele origin: germline.
Comment: NM_000834.5(GRIN2B):c.2767G>A (p.Asp923Asn) is a missense variant that results in the substitution of aspartic acid with asparagine. This variant is rare in population databases. The currently available literature and clinical evidence are not sufficient to establish a definitive association between this variant and the reported condition. Therefore, this variant is classified as a variant of uncertain significance.